The following is an entry in ClinVar:

NM_001457.4(FLNB):c.7198+6C>T

Genes: FLNB (filamin B; plus strand), FLNB-AS1 (FLNB antisense RNA 1; minus strand). Cytogenetic location: 3p14.3.
Variant type: single nucleotide variant.
Coding change: c.7198+6C>T on transcript NM_001457.4 (MANE Select); 6 bases into the intron after coding-DNA position 7198, C replaced by T.
Molecular consequence: intron variant. On other transcripts: non-coding transcript variant (1).
Genome position (GRCh38, 1-based): chr3:58,163,336, C>T. VCF-style: chr3-58163336-C-T. GRCh37 (hg19) VCF-style: chr3-58149063-C-T.
Other names: c.7291+6C>T (NM_001164317.2); c.7165+6C>T (NM_001164318.2); c.7126+6C>T (NM_001164319.2).
Identifiers: ClinVar variation 1499884 (VCV001499884.6), dbSNP rs772512811, ClinGen allele CA2469622.

ClinVar aggregate classification (germline): Uncertain significance (1 of 4 stars; one submission).

Allele frequency attached by ClinVar (database versions not stated): gnomAD exomes below 0.00001.
gnomAD v4.1: 1 of 1,613,894 alleles (0.000062%); highest among the groups gnomAD compares: African/African-American, 0.0013%; no homozygotes.

Submission:

Labcorp Genetics (formerly Invitae), Labcorp
Classification: Uncertain significance. Last evaluated: 2024-10-28. Review status: criteria provided, single submitter. Criteria: Invitae Variant Classification Sherloc (09022015). Collection method: clinical testing. Allele origin: germline.
Comment: This sequence change falls in intron 43 of the FLNB gene. It does not directly change the encoded amino acid sequence of the FLNB protein. It affects a nucleotide within the consensus splice site. This variant is not present in population databases (gnomAD no frequency). This variant has not been reported in the literature in individuals affected with FLNB-related conditions. ClinVar contains an entry for this variant (Variation ID: 1499884). Variants that disrupt the consensus splice site are a relatively common cause of aberrant splicing (PMID: 17576681, 9536098). Algorithms developed to predict the effect of sequence changes on RNA splicing suggest that this variant is not likely to affect RNA splicing. In summary, the available evidence is currently insufficient to determine the role of this variant in disease. Therefore, it has been classified as a Variant of Uncertain Significance.

Literature cited by the submitters: PubMed 17576681; PubMed 9536098.